The following is an entry in ClinVar:

ClinVar aggregate classification (germline): Uncertain significance (1 of 4 stars; one submission).

Conditions:
Hypermethioninemia with deficiency of S-adenosylhomocysteine hydrolase. Identifiers: Orphanet 88618, MedGen C3151058, MONDO:0013404, OMIM 613752.

Allele frequency attached by ClinVar (database versions not stated): gnomAD exomes below 0.00001; ExAC 0.00001.

Submission:

Labcorp Genetics (formerly Invitae), Labcorp
Classification: Uncertain significance for Hypermethioninemia with deficiency of S-adenosylhomocysteine hydrolase. Last evaluated: 2022-10-17. Review status: criteria provided, single submitter. Criteria: Invitae Variant Classification Sherloc (09022015). Collection method: clinical testing. Allele origin: germline.
Comment: This variant is present in population databases (rs759021534, gnomAD 0.0009%). In summary, the available evidence is currently insufficient to determine the role of this variant in disease. Therefore, it has been classified as a Variant of Uncertain Significance. Advanced modeling of protein sequence and biophysical properties (such as structural, functional, and spatial information, amino acid conservation, physicochemical variation, residue mobility, and thermodynamic stability) performed at Invitae indicates that this missense variant is not expected to disrupt AHCY protein function. ClinVar contains an entry for this variant (Variation ID: 862308). This variant has not been reported in the literature in individuals affected with AHCY-related conditions. This sequence change replaces valine, which is neutral and non-polar, with alanine, which is neutral and non-polar, at codon 381 of the AHCY protein (p.Val381Ala).

NM_000687.4(AHCY):c.1142T>C (p.Val381Ala)

Gene: AHCY (adenosylhomocysteinase; minus strand). Cytogenetic location: 20q11.22.
Variant type: single nucleotide variant.
Coding change: c.1142T>C on transcript NM_000687.4 (MANE Select); coding-DNA position 1142, T replaced by C.
Protein change: p.Val381Ala; replaces valine 381 with alanine.
Molecular consequence: missense variant.
Genome position (GRCh38, 1-based): chr20:34,285,465, A>G on the plus strand (T>C on the coding strand, the complement: AHCY is on the minus strand). VCF-style: chr20-34285465-A-G. GRCh37 (hg19) VCF-style: chr20-32873271-A-G.
Other names: c.1058T>C, p.Val353Ala (NM_001161766.2, NM_001322084.2, NM_001322085.2); c.1148T>C, p.Val383Ala (NM_001322086.2); c.1142T>C, p.Val381Ala (NM_001362750.2); short protein forms V383A, V381A, V353A.
Identifiers: ClinVar variation 862308 (VCV000862308.9), dbSNP rs759021534, ClinGen allele CA9820769.